The following is an entry in ClinVar:

ClinVar aggregate classification (germline): Uncertain significance (1 of 4 stars; one submission).

Conditions:
Familial cold autoinflammatory syndrome 3 (FCAS3). Also called: FAMILIAL ATYPICAL COLD URTICARIA; ANTIBODY DEFICIENCY AND IMMUNE DYSREGULATION, PLCG2-ASSOCIATED. Identifiers: Orphanet 300359, MedGen C3280914, MONDO:0013766, OMIM 614468.

Submission:

Labcorp Genetics (formerly Invitae), Labcorp
Classification: Uncertain significance for Familial cold autoinflammatory syndrome 3. Last evaluated: 2020-02-03. Review status: criteria provided, single submitter. Criteria: Invitae Variant Classification Sherloc (09022015). Collection method: clinical testing. Allele origin: germline.
Comment: This variant is not present in population databases (ExAC no frequency). This sequence change replaces histidine with aspartic acid at codon 475 of the PLCG2 protein (p.His475Asp). The histidine residue is moderately conserved and there is a moderate physicochemical difference between histidine and aspartic acid. This variant has not been reported in the literature in individuals with PLCG2-related conditions. In summary, the available evidence is currently insufficient to determine the role of this variant in disease. Therefore, it has been classified as a Variant of Uncertain Significance. Algorithms developed to predict the effect of missense changes on protein structure and function (SIFT, PolyPhen-2, Align-GVGD) all suggest that this variant is likely to be tolerated, but these predictions have not been confirmed by published functional studies and their clinical significance is uncertain.

NM_002661.5(PLCG2):c.1423C>G (p.His475Asp)

Gene: PLCG2 (phospholipase C gamma 2; plus strand). Cytogenetic location: 16q23.3.
Variant type: single nucleotide variant.
Coding change: c.1423C>G on transcript NM_002661.5 (MANE Select); coding-DNA position 1423, C replaced by G.
Protein change: p.His475Asp; replaces histidine 475 with aspartic acid.
Molecular consequence: missense variant.
Genome position (GRCh38, 1-based): chr16:81,905,463, C>G. VCF-style: chr16-81905463-C-G. GRCh37 (hg19) VCF-style: chr16-81939068-C-G.
Other names: short protein forms H475D.
Identifiers: ClinVar variation 1001161 (VCV001001161.9), dbSNP rs1909326421, ClinGen allele CA396899710.